The following is an entry in ClinVar:

ClinVar aggregate classification (germline): Pathogenic (1 of 4 stars; one submission).

Conditions:
Severe combined immunodeficiency disease. Also called: Severe combined immunodeficiency; Severe Combined Immune Deficiency. Identifiers: Orphanet 183660, MedGen C0085110, MeSH D016511, MONDO:0015974, HP:0004430. Inheritance: X-Linked or Autosomal recessive.

Submission:

Women's Health and Genetics/Laboratory Corporation of America, LabCorp
Classification: Pathogenic for Severe combined immunodeficiency disease. Last evaluated: 2023-05-11. Review status: criteria provided, single submitter. Criteria: LabCorp Variant Classification Summary - May 2015. Collection method: clinical testing. Allele origin: germline.
Comment: Variant summary: DCLRE1C c.1645C>T (p.Gln549X) results in a premature termination codon, predicted to cause a truncation of the encoded protein, which is a commonly known mechanism for disease. Truncations downstream of this position have been classified as pathogenic in ClinVar and described in the literature in individuals with Severe Combined Immunodeficiency, segregating within families (PMID: 26476407; HGMD: CI1513397). The variant was absent in 251358 control chromosomes. To our knowledge, no occurrence of c.1645C>T in individuals affected with Severe Combined Immunodeficiency and no experimental evidence demonstrating its impact on protein function have been reported. No clinical diagnostic laboratories have submitted clinical-significance assessments for this variant to ClinVar after 2014. Based on the evidence outlined above, the variant was classified as pathogenic.

NM_001033855.3(DCLRE1C):c.1645C>T (p.Gln549Ter)

Gene: DCLRE1C (DNA cross-link repair 1C; minus strand). Cytogenetic location: 10p13.
Variant type: single nucleotide variant.
Coding change: c.1645C>T on transcript NM_001033855.3 (MANE Select); coding-DNA position 1645, C replaced by T.
Protein change: p.Gln549Ter; replaces glutamine 549 with a stop codon.
Molecular consequence: nonsense. On other transcripts: non-coding transcript variant (4).
Genome position (GRCh38, 1-based): chr10:14,908,842, G>A on the plus strand (C>T on the coding strand, the complement: DCLRE1C is on the minus strand). VCF-style: chr10-14908842-G-A. GRCh37 (hg19) VCF-style: chr10-14950841-G-A.
Other names: c.1285C>T, p.Gln429Ter (NM_001033857.3, NM_001033858.3, NM_001289077.2 and 2 more transcripts); c.1300C>T, p.Gln434Ter (NM_001289076.2, NM_001289078.2, NM_001350966.2 and 1 more transcripts); c.1645C>T, p.Gln549Ter (NM_001350965.2); short protein forms Q429*, Q434*, Q549*.
Identifiers: ClinVar variation 2506241 (VCV002506241.1), dbSNP rs2491626059, ClinGen allele CA376075136.